The following is an entry in ClinVar:

ClinVar aggregate classification (germline): Uncertain significance. Review status: criteria provided, multiple submitters, no conflicts (2 of 4 stars). 2 submissions from 2 submitters: Uncertain significance (2). Last evaluated 2023-06-16.

Conditions:
Dyskeratosis congenita. Identifiers: Orphanet 1775, MedGen C0265965, MONDO:0015780.

Submissions (2):

Ambry Genetics
Classification: Uncertain significance for Dyskeratosis congenita. Last evaluated: 2023-06-16. Review status: criteria provided, single submitter. Criteria: Ambry Variant Classification Scheme 2023. Collection method: clinical testing. Allele origin: germline.
Comment: The p.T363I variant (also known as c.1088C>T), located in coding exon 2 of the TERT gene, results from a C to T substitution at nucleotide position 1088. The threonine at codon 363 is replaced by isoleucine, an amino acid with similar properties. This amino acid position is conserved. In addition, this alteration is predicted to be tolerated by in silico analysis. Since supporting evidence is limited at this time, the clinical significance of this alteration remains unclear.

Institute for Clinical Genetics, University Hospital TU Dresden, University Hospital TU Dresden
Classification: Uncertain significance. Last evaluated: 2021-11-03. Review status: criteria provided, single submitter. Criteria: ACMG Guidelines, 2015. Collection method: clinical testing. Allele origin: germline.

NM_198253.3(TERT):c.1088C>T (p.Thr363Ile)

Gene: TERT (telomerase reverse transcriptase; minus strand). Cytogenetic location: 5p15.33.
Variant type: single nucleotide variant.
Coding change: c.1088C>T on transcript NM_198253.3 (MANE Select); coding-DNA position 1088, C replaced by T.
Protein change: p.Thr363Ile; replaces threonine 363 with isoleucine.
Molecular consequence: missense variant. On other transcripts: non-coding transcript variant (2).
Genome position (GRCh38, 1-based): chr5:1,293,798, G>A on the plus strand (C>T on the coding strand, the complement: TERT is on the minus strand). VCF-style: chr5-1293798-G-A. GRCh37 (hg19) VCF-style: chr5-1293913-G-A.
Other names: c.1088C>T, p.Thr363Ile (NM_001193376.3); short protein forms T363I.
Identifiers: ClinVar variation 1319587 (VCV001319587.4), dbSNP rs2126686038, ClinGen allele CA359055634.
Genomic context (GRCh38, chr5:1,293,798, plus strand): 5'-GGCAGGCGGGGCAACCTGCGGGGAGTCCCTGGCATCCAGGGCCTGGAACCCAGAAAGATG[G>A]TCTCCACGAGCCTCCGAGCGCCAGTCAGGCTGGGCCTCAGAGAGCTGAGTAGGAAGGAGG-3'
Protein context (NP_937983.2, residues 353-373): SLTGARRLVE[Thr363Ile]IFLGSRPWMP